The following is an entry in ClinVar:

NM_016953.4(PDE11A):c.914A>T (p.Asp305Val)

Gene: PDE11A (phosphodiesterase 11A; minus strand). Cytogenetic location: 2q31.2.
Variant type: single nucleotide variant.
Coding change: c.914A>T on transcript NM_016953.4 (MANE Select); coding-DNA position 914, A replaced by T.
Protein change: p.Asp305Val; replaces aspartic acid 305 with valine.
Molecular consequence: missense variant.
Genome position (GRCh38, 1-based): chr2:178,014,459, T>A on the plus strand (A>T on the coding strand, the complement: PDE11A is on the minus strand). VCF-style: chr2-178014459-T-A. GRCh37 (hg19) VCF-style: chr2-178879186-T-A.
Other names: c.164A>T, p.Asp55Val (NM_001077197.2); short protein forms D305V, D55V.
Identifiers: ClinVar variation 2442457 (VCV002442457.1), dbSNP rs1297598416, ClinGen allele CA349704030.

ClinVar aggregate classification (germline): Uncertain significance (1 of 4 stars; one submission).

Allele frequency attached by ClinVar (database versions not stated): gnomAD exomes below 0.00001; TOPMed below 0.00001.
gnomAD v4.1: 2 of 1,612,220 alleles (0.00012%); highest among the groups gnomAD compares: Admixed American, 0.0033%; no homozygotes.

Submission:

GeneDx
Classification: Uncertain significance. Last evaluated: 2022-09-06. Review status: criteria provided, single submitter. Criteria: GeneDx Variant Classification Process June 2021. Collection method: clinical testing. Allele origin: germline. Affected: yes.
Comment: Not observed at significant frequency in large population cohorts (gnomAD); In silico analysis supports that this missense variant has a deleterious effect on protein structure/function; Has not been previously published as pathogenic or benign to our knowledge